The following is an entry in ClinVar:

ClinVar aggregate classification (germline): Uncertain significance (1 of 4 stars; one submission).

Conditions:
Neurodevelopmental disorder with motor regression, progressive spastic paraplegia, and oromotor dysfunction (NEDRSO). Identifiers: MedGen C5882695, MONDO:0957791, OMIM 620515.

Submission:

Department of Molecular Genetics, Istishari Arab Hospital
Classification: Uncertain significance for Neurodevelopmental disorder with motor regression, progressive spastic paraplegia, and oromotor dysfunction. Last evaluated: 2026-03-30. Review status: criteria provided, single submitter. Criteria: ACMG Guidelines, 2015. Collection method: clinical testing. Allele origin: germline. Inheritance: Autosomal recessive inheritance. Affected: yes.
Comment: The SNAPC4 variant c.2606G>A, p.Ser869Asn creates an amino acid change from Ser to Asn at position 869. The variant is not observed in the gnomAD v4.1.0 dataset, and to the best of our knowledge, it was not previously reported in literature. It is classified as a variant of uncertain significance according to the recommendations of ACMG/AMP/ClinGen SVI guidelines.

NM_003086.4(SNAPC4):c.2606G>A (p.Ser869Asn)

Gene: SNAPC4 (small nuclear RNA activating complex polypeptide 4; minus strand). Cytogenetic location: 9q34.3.
Variant type: single nucleotide variant.
Coding change: c.2606G>A on transcript NM_003086.4 (MANE Select); coding-DNA position 2606, G replaced by A.
Protein change: p.Ser869Asn; replaces serine 869 with asparagine.
Molecular consequence: missense variant.
Genome position (GRCh38, 1-based): chr9:136,379,221, C>T on the plus strand (G>A on the coding strand, the complement: SNAPC4 is on the minus strand). VCF-style: chr9-136379221-C-T. GRCh37 (hg19) VCF-style: chr9-139273673-C-T.
Other names: p.Ser869Asn; c.2606G>A, p.Ser869Asn (NM_001394201.1); c.2522G>A, p.Ser841Asn (NM_001394202.1, NM_001394203.1); short protein forms S841N, S869N.
Identifiers: ClinVar variation 4819306 (VCV004819306.1).